The following is an entry in ClinVar:

NM_004329.3(BMPR1A):c.1167-279T>G

Gene: BMPR1A (bone morphogenetic protein receptor type 1A; plus strand). Cytogenetic location: 10q23.2.
Variant type: single nucleotide variant.
Coding change: c.1167-279T>G on transcript NM_004329.3 (MANE Select); 279 bases into the intron before coding-DNA position 1167, T replaced by G.
Molecular consequence: intron variant.
Genome position (GRCh38, 1-based): chr10:86,921,241, T>G. VCF-style: chr10-86921241-T-G. GRCh37 (hg19) VCF-style: chr10-88680998-T-G.
Identifiers: ClinVar variation 679767 (VCV000679767.1), dbSNP rs11202261, ClinGen allele CA211210115.

ClinVar aggregate classification (germline): Benign (1 of 4 stars; one submission).

Allele frequency attached by ClinVar (database versions not stated): gnomAD 0.03883 and 0.04167; 1000 Genomes Project 0.04054; 1000 Genomes Project 30x 0.04341; TOPMed 0.04426.
gnomAD v4.1: 5,851 of 152,198 alleles (3.8%); highest among the groups gnomAD compares: African/African-American, 13%; 394 homozygotes.

Submission:

GeneDx
Classification: Benign. Last evaluated: 2018-06-18. Review status: criteria provided, single submitter. Criteria: GeneDx Variant Classification (06012015). Collection method: clinical testing. Allele origin: germline. Affected: yes.
Comment: This variant is considered likely benign or benign based on one or more of the following criteria: it is a conservative change, it occurs at a poorly conserved position in the protein, it is predicted to be benign by multiple in silico algorithms, and/or has population frequency not consistent with disease.